The following is an entry in ClinVar:

NM_001017979.3(RAB28):c.119A>G (p.Gln40Arg)

Gene: RAB28 (RAB28, member RAS oncogene family; minus strand). Cytogenetic location: 4p15.33.
Variant type: single nucleotide variant.
Coding change: c.119A>G on transcript NM_001017979.3 (MANE Select); coding-DNA position 119, A replaced by G.
Protein change: p.Gln40Arg; replaces glutamine 40 with arginine.
Molecular consequence: missense variant.
Genome position (GRCh38, 1-based): chr4:13,479,483, T>C on the plus strand (A>G on the coding strand, the complement: RAB28 is on the minus strand). VCF-style: chr4-13479483-T-C. GRCh37 (hg19) VCF-style: chr4-13481107-T-C.
Other names: c.119A>G, p.Gln40Arg (NM_001159601.2, NM_004249.4); short protein forms Q40R.
Identifiers: ClinVar variation 1496047 (VCV001496047.6), dbSNP rs1716512564, ClinGen allele CA356374917.

ClinVar aggregate classification (germline): Uncertain significance (1 of 4 stars; one submission).

Allele frequency attached by ClinVar (database versions not stated): gnomAD exomes below 0.00001; gnomAD 0.00001.
gnomAD v4.1: 4 of 1,609,686 alleles (0.00025%); highest among the groups gnomAD compares: Admixed American, 0.005%; no homozygotes.

Submission:

Labcorp Genetics (formerly Invitae), Labcorp
Classification: Uncertain significance. Last evaluated: 2021-10-08. Review status: criteria provided, single submitter. Criteria: Invitae Variant Classification Sherloc (09022015). Collection method: clinical testing. Allele origin: germline.
Comment: Algorithms developed to predict the effect of missense changes on protein structure and function output the following: SIFT: "Tolerated"; PolyPhen-2: "Benign"; Align-GVGD: "Class C0". The arginine amino acid residue is found in multiple mammalian species, which suggests that this missense change does not adversely affect protein function. This variant has not been reported in the literature in individuals affected with RAB28-related conditions. This variant is not present in population databases (ExAC no frequency). This sequence change replaces glutamine with arginine at codon 40 of the RAB28 protein (p.Gln40Arg). The glutamine residue is moderately conserved and there is a small physicochemical difference between glutamine and arginine. In summary, the available evidence is currently insufficient to determine the role of this variant in disease. Therefore, it has been classified as a Variant of Uncertain Significance.